The following is an entry in ClinVar:

NM_007194.4(CHEK2):c.78C>G (p.Thr26=)

Gene: CHEK2 (checkpoint kinase 2; minus strand). Cytogenetic location: 22q12.1.
Variant type: single nucleotide variant.
Coding change: c.78C>G on transcript NM_007194.4 (MANE Select); coding-DNA position 78, C replaced by G.
Protein change: p.Thr26=; no amino-acid change (threonine 26 retained).
Molecular consequence: synonymous variant.
Genome position (GRCh38, 1-based): chr22:28,734,644, G>C on the plus strand (C>G on the coding strand, the complement: CHEK2 is on the minus strand). VCF-style: chr22-28734644-G-C. GRCh37 (hg19) VCF-style: chr22-29130632-G-C.
Other names: c.78C>G, p.Thr26= (NM_001005735.3, NM_001349956.3, NM_145862.3); c.-700C>G (NM_001257387.3).
Identifiers: ClinVar variation 2163824 (VCV002163824.6), dbSNP rs876658717, ClinGen allele CA513946622.

ClinVar aggregate classification (germline): Benign/Likely benign. Review status: criteria provided, multiple submitters, no conflicts (2 of 4 stars). 3 submissions from 3 submitters: Benign (1); Likely benign (2). Last evaluated 2025-10-01.

Conditions:
Hereditary cancer-predisposing syndrome. Also called: Hereditary Cancer Syndrome; Neoplastic Syndromes, Hereditary; Tumor predisposition; Hereditary neoplastic syndrome. Identifiers: Orphanet 140162, MedGen C0027672, MeSH D009386, MONDO:0015356.
Familial cancer of breast. Also called: Hereditary breast cancer; hereditary breast carcinoma; BREAST CANCER, FAMILIAL. Identifiers: Orphanet 227535, MedGen C0346153, MONDO:0016419, OMIM 114480. Disease mechanism: loss of function.

Submissions (3):

Labcorp Genetics (formerly Invitae), Labcorp
Classification: Likely benign for Familial cancer of breast. Last evaluated: 2025-10-01. Review status: criteria provided, single submitter. Criteria: Invitae Variant Classification Sherloc (09022015). Collection method: clinical testing. Allele origin: germline.

Myriad Genetics, Inc.
Classification: Benign for Familial cancer of breast. Last evaluated: 2024-10-01. Review status: criteria provided, single submitter. Criteria: Myriad Autosomal Dominant, Autosomal Recessive and X-Linked Classification Criteria (2023). Collection method: clinical testing. Allele origin: unknown.
Comment: This variant is considered benign. This variant is a silent/synonymous amino acid change and it is not expected to impact splicing.

Ambry Genetics
Classification: Likely benign for Hereditary cancer-predisposing syndrome. Last evaluated: 2023-11-13. Review status: criteria provided, single submitter. Criteria: Ambry Variant Classification Scheme 2023. Collection method: clinical testing. Allele origin: germline.